The following is an entry in ClinVar:

ClinVar aggregate classification (germline): Uncertain significance. Review status: criteria provided, multiple submitters, no conflicts (2 of 4 stars). 3 submissions from 3 submitters: Uncertain significance (3). Last evaluated 2025-04-09.

Conditions:
Cardiovascular phenotype. Identifiers: MedGen CN230736.

Allele frequency attached by ClinVar (database versions not stated): ExAC 0.00001; gnomAD exomes below 0.00001.

Submissions (3):

Molecular Diagnostic Laboratory for Inherited Cardiovascular Disease, Montreal Heart Institute
Classification: Uncertain significance for Cardiovascular phenotype. Last evaluated: 2025-04-09. Review status: criteria provided, single submitter. Criteria: ACMG Guidelines, 2015. Collection method: clinical testing. Allele origin: germline. Affected: yes.

Labcorp Genetics (formerly Invitae), Labcorp
Classification: Uncertain significance. Last evaluated: 2024-11-05. Review status: criteria provided, single submitter. Criteria: Invitae Variant Classification Sherloc (09022015). Collection method: clinical testing. Allele origin: germline.
Comment: This sequence change replaces threonine, which is neutral and polar, with serine, which is neutral and polar, at codon 1888 of the ALPK3 protein (p.Thr1888Ser). This variant is present in population databases (rs757392253, gnomAD 0.0009%). This variant has not been reported in the literature in individuals affected with ALPK3-related conditions. ClinVar contains an entry for this variant (Variation ID: 432442). Invitae Evidence Modeling of protein sequence and biophysical properties (such as structural, functional, and spatial information, amino acid conservation, physicochemical variation, residue mobility, and thermodynamic stability) indicates that this missense variant is not expected to disrupt ALPK3 protein function with a negative predictive value of 80%. In summary, the available evidence is currently insufficient to determine the role of this variant in disease. Therefore, it has been classified as a Variant of Uncertain Significance.

GeneDx
Classification: Uncertain significance. Last evaluated: 2019-01-11. Review status: criteria provided, single submitter. Criteria: GeneDx Variant Classification (06012015). Collection method: clinical testing. Allele origin: germline. Affected: yes.
Comment: A variant of uncertain significance has been identified in the ALPK3 gene. The T1888S variant has not been published as pathogenic or been reported as benign to our knowledge. This variant is also not observed at a significant frequency in large population cohorts (Lek et al., 2016; 1000 Genomes Consortium et al., 2015; Exome Variant Server). However, T1888S is a conservative amino acid substitution, which is not likely to impact secondary protein structure as these residues share similar properties. Additionally, this substitution occurs at a position that is not conserved across species and in silico analysis predicts this variant likely does not alter the protein structure/function.

NM_020778.5(ALPK3):c.5057C>G (p.Thr1686Ser)

Gene: ALPK3 (alpha kinase 3; plus strand). Cytogenetic location: 15q25.3.
Variant type: single nucleotide variant.
Coding change: c.5057C>G on transcript NM_020778.5 (MANE Select); coding-DNA position 5057, C replaced by G.
Protein change: p.Thr1686Ser; replaces threonine 1686 with serine.
Molecular consequence: missense variant.
Genome position (GRCh38, 1-based): chr15:84,868,395, C>G. VCF-style: chr15-84868395-C-G. GRCh37 (hg19) VCF-style: chr15-85411626-C-G.
Other names: short protein forms T1888S, T1686S.
Identifiers: ClinVar variation 432442 (VCV000432442.5), dbSNP rs757392253, ClinGen allele CA7710149.